The following is an entry in ClinVar:

NM_005732.4(RAD50):c.914A>G (p.Asn305Ser)

Gene: RAD50 (RAD50 double strand break repair protein; plus strand). Cytogenetic location: 5q31.1.
Variant type: single nucleotide variant.
Coding change: c.914A>G on transcript NM_005732.4 (MANE Select); coding-DNA position 914, A replaced by G.
Protein change: p.Asn305Ser; replaces asparagine 305 with serine.
Molecular consequence: missense variant.
Genome position (GRCh38, 1-based): chr5:132,587,952, A>G. VCF-style: chr5-132587952-A-G. GRCh37 (hg19) VCF-style: chr5-131923644-A-G.
Other names: short protein forms N305S.
Identifiers: ClinVar variation 233184 (VCV000233184.16), dbSNP rs876660246, ClinGen allele CA10578502.

ClinVar aggregate classification (germline): Uncertain significance. Review status: criteria provided, multiple submitters, no conflicts (2 of 4 stars). 2 submissions from 2 submitters: Uncertain significance (2). Last evaluated 2025-09-28.

Conditions:
Hereditary cancer-predisposing syndrome. Also called: Neoplastic Syndromes, Hereditary; Tumor predisposition; Hereditary Cancer Syndrome; Hereditary neoplastic syndrome. Identifiers: Orphanet 140162, MedGen C0027672, MeSH D009386, MONDO:0015356.

Allele frequency attached by ClinVar (database versions not stated): gnomAD 0.00001; TOPMed 0.00001.
gnomAD v4.1: 1 of 1,613,214 alleles (0.000062%); highest among the groups gnomAD compares: Non-Finnish European, 0.000085%; no homozygotes.

Submissions (2):

Ambry Genetics
Classification: Uncertain significance for Hereditary cancer-predisposing syndrome. Last evaluated: 2025-09-28. Review status: criteria provided, single submitter. Criteria: Ambry Variant Classification Scheme 2023. Collection method: clinical testing. Allele origin: germline.
Comment: The p.N305S variant (also known as c.914A>G), located in coding exon 7 of the RAD50 gene, results from an A to G substitution at nucleotide position 914. The asparagine at codon 305 is replaced by serine, an amino acid with highly similar properties. This amino acid position is not well conserved in available vertebrate species. In addition, this alteration is predicted to be tolerated by in silico analysis. Since supporting evidence is limited at this time, the clinical significance of this alteration remains unclear.

Labcorp Genetics (formerly Invitae), Labcorp
Classification: Uncertain significance for Hereditary cancer-predisposing syndrome. Last evaluated: 2023-07-26. Review status: criteria provided, single submitter. Criteria: Invitae Variant Classification Sherloc (09022015). Collection method: clinical testing. Allele origin: germline.
Comment: This variant has not been reported in the literature in individuals affected with RAD50-related conditions. This variant is present in population databases (no rsID available, gnomAD 0.007%). This sequence change replaces asparagine, which is neutral and polar, with serine, which is neutral and polar, at codon 305 of the RAD50 protein (p.Asn305Ser). ClinVar contains an entry for this variant (Variation ID: 233184). In summary, the available evidence is currently insufficient to determine the role of this variant in disease. Therefore, it has been classified as a Variant of Uncertain Significance. Advanced modeling of protein sequence and biophysical properties (such as structural, functional, and spatial information, amino acid conservation, physicochemical variation, residue mobility, and thermodynamic stability) performed at Invitae indicates that this missense variant is not expected to disrupt RAD50 protein function.